The following is an entry in ClinVar:

ClinVar aggregate classification (germline): Uncertain significance. Review status: criteria provided, multiple submitters, no conflicts (2 of 4 stars). 6 submissions from 6 submitters: Uncertain significance (5). 1 of the submissions does not count toward it. Last evaluated 2025-01-06.

Conditions:
Inborn genetic diseases. Identifiers: MedGen C0950123, MeSH D030342.
Glycogen storage disease type III (GSD3). Also called: Cori disease; FORBES DISEASE. Identifiers: Orphanet 366, MedGen C0017922, MONDO:0009291, OMIM 232400.

Allele frequency attached by ClinVar (database versions not stated): gnomAD 0.00009 and 0.00008; gnomAD exomes below 0.00001 and 0.00001; ExAC 0.00002; TOPMed 0.00007.
gnomAD v4.1: 17 of 1,613,588 alleles (0.0011%); highest among the groups gnomAD compares: African/African-American, 0.021%; no homozygotes.

Submissions (6):

Labcorp Genetics (formerly Invitae), Labcorp
Classification: Uncertain significance for Glycogen storage disease type III. Last evaluated: 2025-01-06. Review status: criteria provided, single submitter. Criteria: Invitae Variant Classification Sherloc (09022015). Collection method: clinical testing. Allele origin: germline.
Comment: This sequence change replaces alanine, which is neutral and non-polar, with threonine, which is neutral and polar, at codon 1404 of the AGL protein (p.Ala1404Thr). This variant is present in population databases (rs760699630, gnomAD 0.03%). This variant has not been reported in the literature in individuals affected with AGL-related conditions. ClinVar contains an entry for this variant (Variation ID: 196669). Invitae Evidence Modeling of protein sequence and biophysical properties (such as structural, functional, and spatial information, amino acid conservation, physicochemical variation, residue mobility, and thermodynamic stability) indicates that this missense variant is not expected to disrupt AGL protein function with a negative predictive value of 80%. In summary, the available evidence is currently insufficient to determine the role of this variant in disease. Therefore, it has been classified as a Variant of Uncertain Significance.

Ambry Genetics
Classification: Uncertain significance for Inborn genetic diseases. Last evaluated: 2024-05-23. Review status: criteria provided, single submitter. Criteria: Ambry Variant Classification Scheme 2023. Collection method: clinical testing. Allele origin: germline.

Greenwood Genetic Center Diagnostic Laboratories, Greenwood Genetic Center
Classification: Uncertain significance. Last evaluated: 2023-06-13. Review status: criteria provided, single submitter. Criteria: ACMG Guidelines, 2015. Collection method: clinical testing. Allele origin: germline. Affected: yes.
Comment: PM2, PM3

Genome-Nilou Lab
Classification: Uncertain significance for Glycogen storage disease type III. Last evaluated: 2021-07-15. Review status: criteria provided, single submitter. Criteria: ACMG Guidelines, 2015. Collection method: clinical testing. Allele origin: germline. Affected: no.

Eurofins Ntd Llc (ga)
Classification: Uncertain significance. Last evaluated: 2014-07-10. Review status: criteria provided, single submitter. Criteria: EGL Classification Definitions 2015. Collection method: clinical testing. Allele origin: germline. Observed: 1 variant allele, 1 heterozygote.

Natera, Inc.
Classification: Uncertain significance for Glycogen storage disease type III. Last evaluated: 2020-09-16. Review status: no assertion criteria provided. Collection method: clinical testing. Allele origin: germline. Not counted in ClinVar's aggregate classification.

NM_000642.3(AGL):c.4210G>A (p.Ala1404Thr)

Gene: AGL (amylo-alpha-1,6-glucosidase and 4-alpha-glucanotransferase; plus strand). Cytogenetic location: 1p21.2.
Variant type: single nucleotide variant.
Coding change: c.4210G>A on transcript NM_000642.3 (MANE Select); coding-DNA position 4210, G replaced by A.
Protein change: p.Ala1404Thr; replaces alanine 1404 with threonine.
Molecular consequence: missense variant.
Genome position (GRCh38, 1-based): chr1:99,915,437, G>A. VCF-style: chr1-99915437-G-A. GRCh37 (hg19) VCF-style: chr1-100380993-G-A.
Other names: c.4210G>A, p.Ala1404Thr (NM_000643.3, NM_000644.3, NM_001425325.1 and 1 more transcripts); c.4162G>A, p.Ala1388Thr (NM_000646.3); c.4189G>A, p.Ala1397Thr (NM_001425326.1); c.4009G>A, p.Ala1337Thr (NM_001425327.1); c.4006G>A, p.Ala1336Thr (NM_001425328.1); c.3871G>A, p.Ala1291Thr (NM_001425329.1); c.3832G>A, p.Ala1278Thr (NM_001425332.1); short protein forms A1404T, A1388T, A1278T, A1291T, A1336T, A1337T, A1397T.
Identifiers: ClinVar variation 196669 (VCV000196669.15), dbSNP rs760699630, ClinGen allele CA243732.